The following is an entry in ClinVar:

NM_000377.3(WAS):c.132+6C>T

Gene: WAS (WASP actin nucleation promoting factor; plus strand). Cytogenetic location: Xp11.23.
Variant type: single nucleotide variant.
Coding change: c.132+6C>T on transcript NM_000377.3 (MANE Select); 6 bases into the intron after coding-DNA position 132, C replaced by T.
Molecular consequence: intron variant.
Genome position (GRCh38, 1-based): chrX:48,683,991, C>T. VCF-style: chrX-48683991-C-T. GRCh37 (hg19) VCF-style: chrX-48542380-C-T.
Identifiers: ClinVar variation 3749169 (VCV003749169.2).
Genomic context (GRCh38, chrX:48,683,991, plus strand): 5'-CCTCCAGGACCACGAGAACCAGCGACTCTTTGAGATGCTTGGACGAAAATGCTTGGTGAG[C>T]TGGGGATCTCCTGCCCCCGCCCCGTCCCCACCGTTTCTTCCTCTTCCTCTCCTCCTTCTC-3'

ClinVar aggregate classification (germline): Uncertain significance (1 of 4 stars; one submission).

Conditions:
Wiskott-Aldrich syndrome (WAS). Also called: ALDRICH SYNDROME; IMMUNODEFICIENCY 2; WISKOTT-ALDRICH SYNDROME 1; Wiskott-aldrich syndrome, somatic. Identifiers: Orphanet 906, MedGen C0043194, MONDO:0010518, OMIM 301000.
Thrombocytopenia 1. Also called: X-linked thrombocytopenia with normal platelets; X-Linked Thrombocytopenia (XLT); THROMBOCYTOPENIA, X-LINKED, 1. Identifiers: Orphanet 268322, Orphanet 852, MedGen C1839163, MONDO:0010743, OMIM 313900.
X-linked severe congenital neutropenia (SCNX). Identifiers: Orphanet 86788, MedGen C1845987, MONDO:0010294, OMIM 300299.

gnomAD v4.1: 3 of 1,208,497 alleles (0.00025%); highest among the groups gnomAD compares: East Asian, 0.0089%; no homozygotes.

Submission:

Labcorp Genetics (formerly Invitae), Labcorp
Classification: Uncertain significance for Wiskott-Aldrich syndrome; X-linked severe congenital neutropenia; Thrombocytopenia 1. Last evaluated: 2024-04-09. Review status: criteria provided, single submitter. Criteria: Invitae Variant Classification Sherloc (09022015). Collection method: clinical testing. Allele origin: germline.
Comment: This sequence change falls in intron 1 of the WAS gene. It does not directly change the encoded amino acid sequence of the WAS protein. It affects a nucleotide within the consensus splice site. This variant is not present in population databases (gnomAD no frequency). This variant has not been reported in the literature in individuals affected with WAS-related conditions. Variants that disrupt the consensus splice site are a relatively common cause of aberrant splicing (PMID: 17576681, 9536098). Algorithms developed to predict the effect of sequence changes on RNA splicing suggest that this variant is not likely to affect RNA splicing. In summary, the available evidence is currently insufficient to determine the role of this variant in disease. Therefore, it has been classified as a Variant of Uncertain Significance.

Literature cited by the submitters: PubMed 17576681; PubMed 9536098.